The following is an entry in ClinVar:

NM_006767.4(LZTR1):c.1260+2T>G

Gene: LZTR1 (leucine zipper like post translational regulator 1; plus strand). Cytogenetic location: 22q11.21.
Variant type: single nucleotide variant.
Coding change: c.1260+2T>G on transcript NM_006767.4 (MANE Select); the canonical splice donor site of the intron after coding-DNA position 1260, T replaced by G.
Molecular consequence: splice donor variant.
Genome position (GRCh38, 1-based): chr22:20,992,906, T>G. VCF-style: chr22-20992906-T-G. GRCh37 (hg19) VCF-style: chr22-21347195-T-G.
Identifiers: ClinVar variation 1762873 (VCV001762873.4), dbSNP rs1924658167, ClinGen allele CA410774196.

ClinVar aggregate classification (germline): Conflicting classifications of pathogenicity. Review status: criteria provided, conflicting classifications (1 of 4 stars). 2 submissions from 2 submitters: Likely pathogenic (1); Uncertain significance (1). Last evaluated 2024-08-27.

Conditions:
Cardiovascular phenotype. Identifiers: MedGen CN230736.
Hereditary cancer-predisposing syndrome. Also called: Neoplastic Syndromes, Hereditary; Tumor predisposition; Hereditary Cancer Syndrome; Hereditary neoplastic syndrome. Identifiers: Orphanet 140162, MedGen C0027672, MeSH D009386, MONDO:0015356.

Submissions (2):

Labcorp Genetics (formerly Invitae), Labcorp
Classification: Likely pathogenic. Last evaluated: 2024-08-27. Review status: criteria provided, single submitter. Criteria: Invitae Variant Classification Sherloc (09022015). Collection method: clinical testing. Allele origin: germline.
Comment: This sequence change affects a donor splice site in intron 11 of the LZTR1 gene. It is expected to disrupt RNA splicing. Variants that disrupt the donor or acceptor splice site typically lead to a loss of protein function (PMID: 16199547), and loss-of-function variants in LZTR1 are known to be pathogenic (PMID: 24362817, 25335493, 25480913, 25795793, 29469822, 30368668, 30442762, 30442766, 30481304, 30859559). This variant is not present in population databases (gnomAD no frequency). Disruption of this splice site has been observed in individual(s) with schwannomatosis (PMID: 29409008). ClinVar contains an entry for this variant (Variation ID: 1762873). Algorithms developed to predict the effect of sequence changes on RNA splicing suggest that this variant may disrupt the consensus splice site. In summary, the currently available evidence indicates that the variant is pathogenic, but additional data are needed to prove that conclusively. Therefore, this variant has been classified as Likely Pathogenic.

Ambry Genetics
Classification: Uncertain significance for Cardiovascular phenotype; Hereditary cancer-predisposing syndrome. Last evaluated: 2021-04-30. Review status: criteria provided, single submitter. Criteria: Ambry Variant Classification Scheme 2023. Collection method: clinical testing. Allele origin: germline.
Comment: The c.1260+2T>G intronic variant results from a T to G substitution two nucleotides after coding exon 11 in the LZTR1 gene. Alterations that disrupt the canonical splice site are expected to result in aberrant splicing. In silico splice site analysis predicts that this alteration will weaken the native splice donor site. The resulting transcript is predicted to be in-frame and is not expected to trigger nonsense-mediated mRNA decay; however, direct evidence is unavailable. The exact functional effect of the missing amino acids is unknown. This nucleotide position is highly conserved in available vertebrate species. Since supporting evidence is limited at this time, the clinical significance of this alteration remains unclear.

Literature cited by the submitters: PubMed 16199547 (cited by Labcorp Genetics (formerly Invitae), Labcorp); PubMed 24362817 (cited by Labcorp Genetics (formerly Invitae), Labcorp); PubMed 25335493 (cited by Labcorp Genetics (formerly Invitae), Labcorp); PubMed 25480913 (cited by Labcorp Genetics (formerly Invitae), Labcorp); PubMed 25795793 (cited by Labcorp Genetics (formerly Invitae), Labcorp); PubMed 29469822 (cited by Labcorp Genetics (formerly Invitae), Labcorp); PubMed 30368668 (cited by Labcorp Genetics (formerly Invitae), Labcorp); PubMed 30442762 (cited by Labcorp Genetics (formerly Invitae), Labcorp); PubMed 30442766 (cited by Labcorp Genetics (formerly Invitae), Labcorp); PubMed 30481304 (cited by Labcorp Genetics (formerly Invitae), Labcorp); PubMed 30859559 (cited by Labcorp Genetics (formerly Invitae), Labcorp); PubMed 29409008 (cited by Labcorp Genetics (formerly Invitae), Labcorp).